The following is an entry in ClinVar:

ClinVar aggregate classification (germline): Uncertain significance (1 of 4 stars; one submission).

Conditions:
Severe combined immunodeficiency due to DNA-PKcs deficiency. Also called: IMMUNODEFICIENCY 26 WITH NEUROLOGIC ABNORMALITIES; Immunodeficiency 26 with or without neurologic abnormalities. Identifiers: Orphanet 317425, MedGen C4014833, MONDO:0014423, OMIM 615966.

Submission:

Labcorp Genetics (formerly Invitae), Labcorp
Classification: Uncertain significance for Severe combined immunodeficiency due to DNA-PKcs deficiency. Last evaluated: 2025-03-19. Review status: criteria provided, single submitter. Criteria: Invitae Variant Classification Sherloc (09022015). Collection method: clinical testing. Allele origin: germline.
Comment: This sequence change replaces glycine, which is neutral and non-polar, with glutamic acid, which is acidic and polar, at codon 4123 of the PRKDC protein (p.Gly4123Glu). This variant is not present in population databases (gnomAD no frequency). This variant has not been reported in the literature in individuals affected with PRKDC-related conditions. Invitae Evidence Modeling of protein sequence and biophysical properties (such as structural, functional, and spatial information, amino acid conservation, physicochemical variation, residue mobility, and thermodynamic stability) indicates that this missense variant is expected to disrupt PRKDC protein function with a positive predictive value of 80%. In summary, the available evidence is currently insufficient to determine the role of this variant in disease. Therefore, it has been classified as a Variant of Uncertain Significance.

NM_006904.7(PRKDC):c.12368G>A (p.Gly4123Glu)

Gene: PRKDC (protein kinase, DNA-activated, catalytic subunit; minus strand). Cytogenetic location: 8q11.21.
Variant type: single nucleotide variant.
Coding change: c.12368G>A on transcript NM_006904.7 (MANE Select); coding-DNA position 12368, G replaced by A.
Protein change: p.Gly4123Glu; replaces glycine 4123 with glutamic acid.
Molecular consequence: missense variant.
Genome position (GRCh38, 1-based): chr8:47,774,192, C>T on the plus strand (G>A on the coding strand, the complement: PRKDC is on the minus strand). VCF-style: chr8-47774192-C-T. GRCh37 (hg19) VCF-style: chr8-48686753-C-T.
Other names: c.12275G>A, p.Gly4092Glu (NM_001081640.2); short protein forms G4123E, G4092E.
Identifiers: ClinVar variation 4745287 (VCV004745287.1).
Genomic context (GRCh38, chr8:47,774,192, plus strand): 5'-TAAACAATGTAATGCTTTCTATCTGCAGACTCCCACAGACCTCACATCCAGGGCTCCCAT[C>T]CTTCCCAGGTTCTGCCAAGGATGTTGGGGTCTGTTGCCTGGTCCATCAGGCACTTCACTT-3'
Protein context (NP_008835.5, residues 4113-4128): DPNILGRTWE[Gly4123Glu]WEPWM